The following is an entry in ClinVar:

NM_001330691.3(CEP78):c.1951G>A (p.Val651Ile)

Gene: CEP78 (centrosomal protein 78; plus strand). Cytogenetic location: 9q21.2.
Variant type: single nucleotide variant.
Coding change: c.1951G>A on transcript NM_001330691.3 (MANE Select); coding-DNA position 1951, G replaced by A.
Protein change: p.Val651Ile; replaces valine 651 with isoleucine.
Molecular consequence: missense variant.
Genome position (GRCh38, 1-based): chr9:78,266,547, G>A. VCF-style: chr9-78266547-G-A. GRCh37 (hg19) VCF-style: chr9-80881463-G-A.
Other names: c.1954G>A, p.Val652Ile (NM_001098802.3, NM_001349839.2); c.1903G>A, p.Val635Ile (NM_001330693.3, NM_001330694.2); c.1951G>A, p.Val651Ile (NM_001349838.2); c.1906G>A, p.Val636Ile (NM_001349840.2, NM_032171.3); short protein forms V652I, V635I, V651I, V636I.
Identifiers: ClinVar variation 938960 (VCV000938960.8), dbSNP rs763061622, ClinGen allele CA5095393.

ClinVar aggregate classification (germline): Uncertain significance. Review status: criteria provided, multiple submitters, no conflicts (2 of 4 stars). 2 submissions from 2 submitters: Uncertain significance (2). Last evaluated 2025-02-28.

Conditions:
Inborn genetic diseases. Identifiers: MedGen C0950123, MeSH D030342.

Allele frequency attached by ClinVar (database versions not stated): gnomAD exomes below 0.00001 and 0.00001; ExAC 0.00001; gnomAD 0.00001; TOPMed 0.00003.
gnomAD v4.1: 8 of 1,613,788 alleles (0.0005%); highest among the groups gnomAD compares: African/African-American, 0.011%; no homozygotes.

Submissions (2):

Ambry Genetics
Classification: Uncertain significance for Inborn genetic diseases. Last evaluated: 2025-02-28. Review status: criteria provided, single submitter. Criteria: Ambry Variant Classification Scheme 2023. Collection method: clinical testing. Allele origin: germline.

Labcorp Genetics (formerly Invitae), Labcorp
Classification: Uncertain significance. Last evaluated: 2022-09-22. Review status: criteria provided, single submitter. Criteria: Invitae Variant Classification Sherloc (09022015). Collection method: clinical testing. Allele origin: germline.
Comment: This sequence change replaces valine, which is neutral and non-polar, with isoleucine, which is neutral and non-polar, at codon 652 of the CEP78 protein (p.Val652Ile). This variant is present in population databases (rs763061622, gnomAD 0.02%). This variant has not been reported in the literature in individuals affected with CEP78-related conditions. ClinVar contains an entry for this variant (Variation ID: 938960). Advanced modeling of protein sequence and biophysical properties (such as structural, functional, and spatial information, amino acid conservation, physicochemical variation, residue mobility, and thermodynamic stability) performed at Invitae indicates that this missense variant is not expected to disrupt CEP78 protein function. In summary, the available evidence is currently insufficient to determine the role of this variant in disease. Therefore, it has been classified as a Variant of Uncertain Significance.